The following is an entry in ClinVar:

NM_022124.6(CDH23):c.7015G>A (p.Val2339Met)

Gene: CDH23 (cadherin related 23; plus strand). Cytogenetic location: 10q22.1.
Variant type: single nucleotide variant.
Coding change: c.7015G>A on transcript NM_022124.6 (MANE Select); coding-DNA position 7015, G replaced by A.
Protein change: p.Val2339Met; replaces valine 2339 with methionine.
Molecular consequence: missense variant.
Genome position (GRCh38, 1-based): chr10:71,798,539, G>A. VCF-style: chr10-71798539-G-A. GRCh37 (hg19) VCF-style: chr10-73558296-G-A.
Other names: c.295G>A, p.Val99Met (NM_001171933.1, NM_001171934.1); short protein forms V99M, V2339M.
Identifiers: ClinVar variation 939887 (VCV000939887.3), dbSNP rs1257980773, ClinGen allele CA377158343.

ClinVar aggregate classification (germline): Uncertain significance (1 of 4 stars; one submission).

Allele frequency attached by ClinVar (database versions not stated): gnomAD exomes below 0.00001; TOPMed below 0.00001; gnomAD 0.00001.
gnomAD v4.1: 7 of 1,613,354 alleles (0.00043%); highest among the groups gnomAD compares: Non-Finnish European, 0.00059%; no homozygotes.

Submission:

Labcorp Genetics (formerly Invitae), Labcorp
Classification: Uncertain significance. Last evaluated: 2021-08-31. Review status: criteria provided, single submitter. Criteria: Invitae Variant Classification Sherloc (09022015). Collection method: clinical testing. Allele origin: germline.
Comment: This sequence change replaces valine with methionine at codon 2339 of the CDH23 protein (p.Val2339Met). The valine residue is weakly conserved and there is a small physicochemical difference between valine and methionine. This variant is not present in population databases (ExAC no frequency). This variant has not been reported in the literature in individuals affected with CDH23-related conditions. Algorithms developed to predict the effect of missense changes on protein structure and function output the following: SIFT: "Tolerated"; PolyPhen-2: "Not Available"; Align-GVGD: "Class C0". The methionine amino acid residue is found in multiple mammalian species, which suggests that this missense change does not adversely affect protein function. In summary, the available evidence is currently insufficient to determine the role of this variant in disease. Therefore, it has been classified as a Variant of Uncertain Significance.